The following is an entry in ClinVar:

NM_001199107.2(TBC1D24):c.1655G>T (p.Gly552Val)

Gene: TBC1D24 (TBC1 domain family member 24; plus strand). Cytogenetic location: 16p13.3.
Variant type: single nucleotide variant.
Coding change: c.1655G>T on transcript NM_001199107.2 (MANE Select); coding-DNA position 1655, G replaced by T.
Protein change: p.Gly552Val; replaces glycine 552 with valine.
Molecular consequence: missense variant.
Genome position (GRCh38, 1-based): chr16:2,500,933, G>T. VCF-style: chr16-2500933-G-T. GRCh37 (hg19) VCF-style: chr16-2550934-G-T.
Other names: c.1637G>T, p.Gly546Val (NM_020705.3); short protein forms G546V, G552V.
Identifiers: ClinVar variation 1924972 (VCV001924972.5), dbSNP rs1387464422, ClinGen allele CA394382456.

ClinVar aggregate classification (germline): Uncertain significance (1 of 4 stars; one submission).

Conditions:
Developmental and epileptic encephalopathy, 1 (DEE1). Also called: X-linked infantile spasms; West's syndrome; Tonic spasms with clustering, arrest of psychomotor development and hypsarrhythmia on EEG; X-Linked Infantile Spasm Syndrome; OHTAHARA SYNDROME, X-LINKED; INFANTILE SPASM SYNDROME, X-LINKED 1. Identifiers: MedGen C3463992, MONDO:0010632, OMIM 308350. Disease mechanism: loss of function.
Autosomal dominant nonsyndromic hearing loss 65. Also called: Deafness, autosomal dominant 65; TBC1D24-Related Autosomal Dominant Nonsyndromic Hearing Loss (DFNA). Identifiers: Orphanet 90635, MedGen C3892048, MONDO:0014470, OMIM 616044.

Allele frequency attached by ClinVar (database versions not stated): gnomAD 0.00001; TOPMed 0.00001.
gnomAD v4.1: 3 of 1,611,972 alleles (0.00019%); highest among the groups gnomAD compares: African/African-American, 0.0013%; no homozygotes.

Submission:

Labcorp Genetics (formerly Invitae), Labcorp
Classification: Uncertain significance for Developmental and epileptic encephalopathy, 1; Autosomal dominant nonsyndromic hearing loss 65. Last evaluated: 2023-11-27. Review status: criteria provided, single submitter. Criteria: Invitae Variant Classification Sherloc (09022015). Collection method: clinical testing. Allele origin: germline.
Comment: This sequence change replaces glycine, which is neutral and non-polar, with valine, which is neutral and non-polar, at codon 552 of the TBC1D24 protein (p.Gly552Val). This variant is not present in population databases (gnomAD no frequency). This variant has not been reported in the literature in individuals affected with TBC1D24-related conditions. ClinVar contains an entry for this variant (Variation ID: 1924972). Advanced modeling of protein sequence and biophysical properties (such as structural, functional, and spatial information, amino acid conservation, physicochemical variation, residue mobility, and thermodynamic stability) performed at Invitae indicates that this missense variant is expected to disrupt TBC1D24 protein function with a positive predictive value of 80%. In summary, the available evidence is currently insufficient to determine the role of this variant in disease. Therefore, it has been classified as a Variant of Uncertain Significance.